The following is an entry in ClinVar:

ClinVar aggregate classification (germline): Likely pathogenic (1 of 4 stars; one submission).

gnomAD v4.1: 3 of 1,613,148 alleles (0.00019%); highest among the groups gnomAD compares: Non-Finnish European, 0.00025%; no homozygotes.

Submission:

Dasa
Classification: Likely pathogenic. Last evaluated: 2025-09-08. Review status: criteria provided, single submitter. Criteria: DASA Assertion Criteria. Collection method: clinical testing. Allele origin: germline.
Comment: NM_016111.4(TELO2):c.1900C>T (p.Gln634*) is a nonsense variant in TELO2 predicted to introduce a premature termination codon and is predicted to result in an absent or altered protein product. Loss of function is an established disease mechanism for TELO2-associated disorders. Also, this variant is rare in population databases. Based on the currently available evidence, this variant is classified as likely pathogenic.

NM_016111.4(TELO2):c.1900C>T (p.Gln634Ter)

Gene: TELO2 (telomere maintenance 2; plus strand). Cytogenetic location: 16p13.3.
Variant type: single nucleotide variant.
Coding change: c.1900C>T on transcript NM_016111.4 (MANE Select); coding-DNA position 1900, C replaced by T.
Protein change: p.Gln634Ter; replaces glutamine 634 with a stop codon.
Molecular consequence: nonsense.
Genome position (GRCh38, 1-based): chr16:1,505,467, C>T. VCF-style: chr16-1505467-C-T. GRCh37 (hg19) VCF-style: chr16-1555468-C-T.
Other names: c.1900C>T, p.Gln634Ter (NM_001351846.2); short protein forms Q634*.
Identifiers: ClinVar variation 4856854 (VCV004856854.2).